The following is an entry in ClinVar:

NM_004519.4(KCNQ3):c.*4036G>A

Gene: KCNQ3 (potassium voltage-gated channel subfamily Q member 3; minus strand). Cytogenetic location: 8q24.22.
Variant type: single nucleotide variant.
Coding change: c.*4036G>A on transcript NM_004519.4 (MANE Select); 4036 bases downstream of the stop codon, G replaced by A.
Molecular consequence: 3 prime UTR variant.
Genome position (GRCh38, 1-based): chr8:132,125,226, C>T on the plus strand (G>A on the coding strand, the complement: KCNQ3 is on the minus strand). VCF-style: chr8-132125226-C-T. GRCh37 (hg19) VCF-style: chr8-133137473-C-T.
Other names: c.*4036G>A (NM_001204824.2).
Identifiers: ClinVar variation 909489 (VCV000909489.4), dbSNP rs189307949, ClinGen allele CA185429665.

ClinVar aggregate classification (germline): Benign (1 of 4 stars; one submission).

Conditions:
Seizures, benign familial neonatal, 2. Also called: Benign Neonatal Epilepsy 2; CONVULSIONS, BENIGN FAMILIAL NEONATAL, 2; KCNQ3-Related Benign Familial Neonatal Epilepsy; KCNQ3-Related Self-Limited Familial Neonatal Epilepsy (SLFNE); Seizures, benign neonatal, 2. Identifiers: Orphanet 1949, MedGen C1852581, MONDO:0007366, OMIM 121201.

Allele frequency attached by ClinVar (database versions not stated): TOPMed 0.00529; 1000 Genomes Project 30x 0.00453; 1000 Genomes Project 0.00439.

Submission:

Illumina Laboratory Services, Illumina
Classification: Benign for Seizures, benign familial neonatal, 2. Last evaluated: 2018-01-13. Review status: criteria provided, single submitter. Criteria: ICSL Variant Classification Criteria 13 December 2019. Collection method: clinical testing. Allele origin: germline.
Comment: This variant was observed in the ICSL laboratory as part of a predisposition screen in an ostensibly healthy population. It had not been previously curated by ICSL or reported in the Human Gene Mutation Database (HGMD: prior to June 1st, 2018), and was therefore a candidate for classification through an automated scoring system. Utilizing variant allele frequency, disease prevalence and penetrance estimates, and inheritance mode, an automated score was calculated to assess if this variant is too frequent to cause the disease. Based on the score and internal cut-off values, a variant classified as benign is not then subjected to further curation. The score for this variant resulted in a classification of benign for this disease.